The following is an entry in ClinVar:

ClinVar aggregate classification (germline): Uncertain significance (1 of 4 stars; one submission).

Conditions:
Muscle AMP deaminase deficiency (MMDD). Also called: ADENOSINE MONOPHOSPHATE DEAMINASE-1 DEFICIENCY, MYOPATHY DUE TO; AMPD1 DEFICIENCY; Myoadenylate deaminase deficiency, myopathy due to; Adenosine monophosphate deaminase 1 deficiency; AMP deaminase 1 deficiency; Adenosine Monophosphate Deaminase 1. Identifiers: Orphanet 45, MedGen C3714933, MONDO:0014220, OMIM 615511.

Allele frequency attached by ClinVar (database versions not stated): TOPMed below 0.00001; gnomAD 0.00008; gnomAD exomes 0.00009 and 0.00016; ExAC 0.00021; 1000 Genomes Project 30x 0.00031; 1000 Genomes Project 0.00040.
gnomAD v4.1: 136 of 1,614,010 alleles (0.0084%); highest among the groups gnomAD compares: South Asian, 0.15%; 1 homozygote.

Submission:

Labcorp Genetics (formerly Invitae), Labcorp
Classification: Uncertain significance for Muscle AMP deaminase deficiency. Last evaluated: 2022-07-12. Review status: criteria provided, single submitter. Criteria: Invitae Variant Classification Sherloc (09022015). Collection method: clinical testing. Allele origin: germline.
Comment: This variant is present in population databases (rs565587413, gnomAD 0.1%). In summary, the available evidence is currently insufficient to determine the role of this variant in disease. Therefore, it has been classified as a Variant of Uncertain Significance. Algorithms developed to predict the effect of missense changes on protein structure and function are either unavailable or do not agree on the potential impact of this missense change (SIFT: "Deleterious"; PolyPhen-2: "Probably Damaging"; Align-GVGD: "Class C15"). ClinVar contains an entry for this variant (Variation ID: 1474096). This variant has not been reported in the literature in individuals affected with AMPD1-related conditions. This sequence change replaces methionine, which is neutral and non-polar, with valine, which is neutral and non-polar, at codon 650 of the AMPD1 protein (p.Met650Val).

NM_000036.3(AMPD1):c.1849A>G (p.Met617Val)

Gene: AMPD1 (adenosine monophosphate deaminase 1; minus strand). Cytogenetic location: 1p13.2.
Variant type: single nucleotide variant.
Coding change: c.1849A>G on transcript NM_000036.3 (MANE Select); coding-DNA position 1849, A replaced by G.
Protein change: p.Met617Val; replaces methionine 617 with valine.
Molecular consequence: missense variant.
Genome position (GRCh38, 1-based): chr1:114,674,034, T>C on the plus strand (A>G on the coding strand, the complement: AMPD1 is on the minus strand). VCF-style: chr1-114674034-T-C. GRCh37 (hg19) VCF-style: chr1-115216655-T-C.
Other names: c.1837A>G, p.Met613Val (NM_001172626.2); short protein forms M617V, M613V.
Identifiers: ClinVar variation 1474096 (VCV001474096.8), dbSNP rs565587413, ClinGen allele CA1019992.
Genomic context (GRCh38, chr1:114,674,034, plus strand): 5'-AATCCAAAAAAGGATTTTTGGCATACTCTAGAAATAGGCTATTGTTACTTAGTGGTGACA[T>C]GGCGATGGGAATTTGGGCTAAGAAAAACAAGTACTGTAGCACGGGACTCTGAAAAAGAAA-3'
Protein context (NP_000027.3, residues 607-627): LFFLAQIPIA[Met617Val]SPLSNNSLFL